The following is an entry in ClinVar:

NM_173477.5(USH1G):c.997G>C (p.Asp333His)

Gene: USH1G (USH1 protein network component sans; minus strand). Cytogenetic location: 17q25.1.
Variant type: single nucleotide variant.
Coding change: c.997G>C on transcript NM_173477.5 (MANE Select); coding-DNA position 997, G replaced by C.
Protein change: p.Asp333His; replaces aspartic acid 333 with histidine.
Molecular consequence: missense variant.
Genome position (GRCh38, 1-based): chr17:74,919,839, C>G on the plus strand (G>C on the coding strand, the complement: USH1G is on the minus strand). VCF-style: chr17-74919839-C-G. GRCh37 (hg19) VCF-style: chr17-72915934-C-G.
Other names: c.688G>C, p.Asp230His (NM_001282489.3); c.997G>C (NM_173477.2); short protein forms D230H, D333H.
Identifiers: ClinVar variation 956699 (VCV000956699.10), dbSNP rs866075782, ClinGen allele CA400962105.

ClinVar aggregate classification (germline): Uncertain significance. Review status: criteria provided, multiple submitters, no conflicts (2 of 4 stars). 2 submissions from 2 submitters: Uncertain significance (2). Last evaluated 2025-05-16.

Allele frequency attached by ClinVar (database versions not stated): gnomAD exomes below 0.00001; gnomAD 0.00001.
gnomAD v4.1: 6 of 1,612,770 alleles (0.00037%); highest among the groups gnomAD compares: Non-Finnish European, 0.00042%; no homozygotes.

Submissions (2):

GeneDx
Classification: Uncertain significance. Last evaluated: 2025-05-16. Review status: criteria provided, single submitter. Criteria: GeneDx Variant Classification Process June 2021. Collection method: clinical testing. Allele origin: germline. Affected: yes.
Comment: Not observed at significant frequency in large population cohorts (gnomAD); In silico analysis supports that this missense variant has a deleterious effect on protein structure/function; Has not been previously published as pathogenic or benign to our knowledge

Labcorp Genetics (formerly Invitae), Labcorp
Classification: Uncertain significance. Last evaluated: 2022-11-08. Review status: criteria provided, single submitter. Criteria: Invitae Variant Classification Sherloc (09022015). Collection method: clinical testing. Allele origin: germline.
Comment: This sequence change replaces aspartic acid, which is acidic and polar, with histidine, which is basic and polar, at codon 333 of the USH1G protein (p.Asp333His). This variant is not present in population databases (gnomAD no frequency). This variant has not been reported in the literature in individuals affected with USH1G-related conditions. ClinVar contains an entry for this variant (Variation ID: 956699). Advanced modeling of protein sequence and biophysical properties (such as structural, functional, and spatial information, amino acid conservation, physicochemical variation, residue mobility, and thermodynamic stability) performed at Invitae indicates that this missense variant is not expected to disrupt USH1G protein function. In summary, the available evidence is currently insufficient to determine the role of this variant in disease. Therefore, it has been classified as a Variant of Uncertain Significance.